The following is an entry in ClinVar:

NM_004082.5(DCTN1):c.419C>A (p.Pro140Gln)

Gene: DCTN1 (dynactin subunit 1; minus strand). Cytogenetic location: 2p13.1.
Variant type: single nucleotide variant.
Coding change: c.419C>A on transcript NM_004082.5 (MANE Select); coding-DNA position 419, C replaced by A.
Protein change: p.Pro140Gln; replaces proline 140 with glutamine.
Molecular consequence: missense variant. On other transcripts: intron variant (3).
Genome position (GRCh38, 1-based): chr2:74,374,336, G>T on the plus strand (C>A on the coding strand, the complement: DCTN1 is on the minus strand). VCF-style: chr2-74374336-G-T. GRCh37 (hg19) VCF-style: chr2-74601463-G-T.
Other names: c.17C>A, p.Pro6Gln (NM_001135041.3, NM_023019.4); c.398C>A, p.Pro133Gln (NM_001190837.2); c.368C>A, p.Pro123Gln (NM_001378991.1); c.343-2608C>A (NM_001190836.2); c.364-1388C>A (NM_001378992.1); c.394-2608C>A (NM_001135040.3); short protein forms P140Q, P133Q, P6Q, P123Q.
Identifiers: ClinVar variation 2931318 (VCV002931318.3), dbSNP rs147939455, ClinGen allele CA347370234.

ClinVar aggregate classification (germline): Uncertain significance (1 of 4 stars; one submission).

Conditions:
Amyotrophic lateral sclerosis type 1 (ALS1). Also called: AMYOTROPHIC LATERAL SCLEROSIS 1, FAMILIAL. Identifiers: Orphanet 803, MedGen C1862939, MONDO:0007103, OMIM 105400.
Neuronopathy, distal hereditary motor, type 7B. Also called: NEURONOPATHY, DISTAL HEREDITARY MOTOR, AUTOSOMAL DOMINANT 14; NEURONOPATHY, DISTAL HEREDITARY MOTOR, HARDING TYPE VIIB; NEUROPATHY, DISTAL HEREDITARY MOTOR, HARDING TYPE VIIB; NEUROPATHY, DISTAL HEREDITARY MOTOR, WITH VOCAL CORD PARALYSIS, HARDING TYPE VIIB; Distal Hereditary Motor Neuronopathy Type 7B (dHMN7B); HMN VIIB. Identifiers: Orphanet 139589, MedGen C1843315, MONDO:0011879, OMIM 607641.
Perry syndrome. Also called: PARKINSONISM WITH ALVEOLAR HYPOVENTILATION AND MENTAL DEPRESSION. Identifiers: Orphanet 178509, MedGen C1868594, MONDO:0008201, OMIM 168605.

gnomAD v4.1: 5 of 1,613,122 alleles (0.00031%); highest among the groups gnomAD compares: African/African-American, 0.0053%; no homozygotes.

Submission:

Labcorp Genetics (formerly Invitae), Labcorp
Classification: Uncertain significance for Amyotrophic lateral sclerosis type 1; Neuronopathy, distal hereditary motor, type 7B; Perry syndrome. Last evaluated: 2022-11-03. Review status: criteria provided, single submitter. Criteria: Invitae Variant Classification Sherloc (09022015). Collection method: clinical testing. Allele origin: germline.
Comment: In summary, the available evidence is currently insufficient to determine the role of this variant in disease. Therefore, it has been classified as a Variant of Uncertain Significance. Algorithms developed to predict the effect of sequence changes on RNA splicing suggest that this variant may disrupt the consensus splice site. Algorithms developed to predict the effect of missense changes on protein structure and function (SIFT, PolyPhen-2, Align-GVGD) all suggest that this variant is likely to be tolerated. This variant has not been reported in the literature in individuals affected with DCTN1-related conditions. This variant is not present in population databases (gnomAD no frequency). This sequence change replaces proline, which is neutral and non-polar, with glutamine, which is neutral and polar, at codon 140 of the DCTN1 protein (p.Pro140Gln).